The following is an entry in ClinVar:

ClinVar aggregate classification (germline): Uncertain significance (1 of 4 stars; one submission).

Submission:

GeneDx
Classification: Uncertain significance. Last evaluated: 2023-07-25. Review status: criteria provided, single submitter. Criteria: GeneDx Variant Classification Process June 2021. Collection method: clinical testing. Allele origin: germline. Affected: yes.
Comment: Not observed at significant frequency in large population cohorts (gnomAD); Frameshift variant predicted to result in protein truncation, as the last 97 amino acids are replaced with 75 different amino acids, and other loss-of-function variants have been reported downstream in HGMD; Has not been previously published as pathogenic or benign to our knowledge

NM_000278.5(PAX2):c.937_938del (p.Thr313fs)

Gene: PAX2 (paired box 2; plus strand). Cytogenetic location: 10q24.31.
Variant type: Deletion.
Coding change: c.937_938del on transcript NM_000278.5 (MANE Select); coding-DNA positions 937 to 938, 2 bases deleted (AC; older notation c.937_938delAC).
Protein change: p.Thr313fs; shifts the reading frame from threonine 313.
Molecular consequence: frameshift variant.
Genome position (GRCh38, 1-based): chr10:100,824,665-100,824,666, AC deleted; deleting any 2 consecutive bases within chr10:100,824,664-100,824,666 gives the same sequence; the c. name uses the placement nearest the transcript's 3' end. VCF-style (leftmost placement, unchanged base first): chr10-100824663-GCA-G. GRCh37 (hg19) VCF-style: chr10-102584420-GCA-G.
Other names: c.1030_1031del, p.Thr344fs (NM_001304569.2); c.1006_1007del, p.Thr336fs (NM_003987.5, NM_003990.5); c.937_938del, p.Thr313fs (NM_003988.5, NM_003989.5); short protein forms T313fs, T336fs, T344fs.
Identifiers: ClinVar variation 3360969 (VCV003360969.1).